The following is an entry in ClinVar:

ClinVar aggregate classification (germline): Uncertain significance (1 of 4 stars; one submission).

Conditions:
Familial cold autoinflammatory syndrome 3 (FCAS3). Also called: ANTIBODY DEFICIENCY AND IMMUNE DYSREGULATION, PLCG2-ASSOCIATED; FAMILIAL ATYPICAL COLD URTICARIA. Identifiers: Orphanet 300359, MedGen C3280914, MONDO:0013766, OMIM 614468.

Allele frequency attached by ClinVar (database versions not stated): gnomAD 0.00001; TOPMed 0.00001.

Submission:

Labcorp Genetics (formerly Invitae), Labcorp
Classification: Uncertain significance for Familial cold autoinflammatory syndrome 3. Last evaluated: 2025-09-02. Review status: criteria provided, single submitter. Criteria: Invitae Variant Classification Sherloc (09022015). Collection method: clinical testing. Allele origin: germline.
Comment: This sequence change replaces leucine, which is neutral and non-polar, with proline, which is neutral and non-polar, at codon 1190 of the PLCG2 protein (p.Leu1190Pro). This variant is present in population databases (no rsID available, gnomAD 0.006%). This variant has not been reported in the literature in individuals affected with PLCG2-related conditions. ClinVar contains an entry for this variant (Variation ID: 643738). An algorithm developed to predict the effect of missense changes on protein structure and function (PolyPhen-2) suggests that this variant is likely to be tolerated. In summary, the available evidence is currently insufficient to determine the role of this variant in disease. Therefore, it has been classified as a Variant of Uncertain Significance.

NM_002661.5(PLCG2):c.3569T>C (p.Leu1190Pro)

Gene: PLCG2 (phospholipase C gamma 2; plus strand). Cytogenetic location: 16q23.3.
Variant type: single nucleotide variant.
Coding change: c.3569T>C on transcript NM_002661.5 (MANE Select); coding-DNA position 3569, T replaced by C.
Protein change: p.Leu1190Pro; replaces leucine 1190 with proline.
Molecular consequence: missense variant.
Genome position (GRCh38, 1-based): chr16:81,946,262, T>C. VCF-style: chr16-81946262-T-C. GRCh37 (hg19) VCF-style: chr16-81979867-T-C.
Other names: short protein forms L1190P.
Identifiers: ClinVar variation 643738 (VCV000643738.8), dbSNP rs1287516481, ClinGen allele CA396909981.